The following is an entry in ClinVar:

NM_000352.6(ABCC8):c.2116+3A>G

Gene: ABCC8 (ATP binding cassette subfamily C member 8; minus strand). Cytogenetic location: 11p15.1.
Variant type: single nucleotide variant.
Coding change: c.2116+3A>G on transcript NM_000352.6 (MANE Select); 3 bases into the intron after coding-DNA position 2116, A replaced by G.
Molecular consequence: intron variant.
Genome position (GRCh38, 1-based): chr11:17,427,864, T>C on the plus strand (A>G on the coding strand, the complement: ABCC8 is on the minus strand). VCF-style: chr11-17427864-T-C. GRCh37 (hg19) VCF-style: chr11-17449411-T-C.
Other names: NM_001287174.3:c.2116+3A>G; c.2113+3A>G (NM_001351297.2, NM_001351296.2); c.2182+3A>G (NM_001351295.2); c.2116+3A>G (NM_001287174.3).
Identifiers: ClinVar variation 3899300 (VCV003899300.1).

ClinVar aggregate classification (germline): Likely pathogenic (1 of 4 stars; one submission).

Conditions:
Hyperinsulinemic hypoglycemia, familial, 1 (HHF1). Also called: NESIDIOBLASTOSIS OF PANCREAS; Persistent Hyperinsulinemia Hypoglycemia of Infancy; Persistent hyperinsulinemic hypoglycemia of infancy; HYPERINSULINISM, FAMILIAL, WITH PANCREATIC NESIDIOBLASTOSIS; HYPOGLYCEMIA, HYPERINSULINEMIC, OF INFANCY. Identifiers: Orphanet 276575, Orphanet 276598, MedGen C2931832, MONDO:0009734, OMIM 256450.

gnomAD v4.1: 16 of 1,614,022 alleles (0.00099%); highest among the groups gnomAD compares: Non-Finnish European, 0.0014%; no homozygotes.

Submission:

Broad Center for Mendelian Genomics, Broad Institute of MIT and Harvard
Classification: Likely pathogenic for Hyperinsulinemic hypoglycemia, familial, 1. Last evaluated: 2025-04-28. Review status: criteria provided, single submitter. Criteria: ACMG Guidelines, 2015. Collection method: curation. Allele origin: germline. Inheritance: Autosomal recessive inheritance.
Comment: The c.2116+3A>G variant in ABCC8 has been reported in 3 individuals with hyperinsulinemic hypoglycemia (PMID: 11272144,15579781, 23345197), and has been identified in 0.001% (16/1179968) of European (non-Finnish) chromosomes by the Genome Aggregation Database (gnomAD; dbSNP ID: rs759275346). Although this variant has been seen in the general population in a heterozygous state, its frequency is low enough to be consistent with a recessive carrier frequency. Of the 3 affected individuals, 2 were compound heterozygotes that carried a variant of uncertain significance in trans, which increases the likelihood that the c.2116+3A>G variant is pathogenic (PMID: 15579781, 23345197). This variant is located in the 3’ splice region. Computational tools do suggest an impact to splicing. However, this information is not predictive enough to determine pathogenicity. RT-PCR analysis performed on affected tissue shows fragments with a 410 base deletion (PMID: 15579781). Loss of function of the ABCC8 gene is an established disease mechanism in autosomal recessive hyperinsulinemic hypoglycemia. In summary, although additional studies are required to fully establish its clinical significance, this variant is likely pathogenic for autosomal recessive hyperinsulinemic hypoglycemia. ACMG/AMP Criteria applied: PVS1_strong, PM3_supporting, PM2_supporting (Richards 2015).

Literature cited by the submitters: PubMed 11272144; PubMed 15579781; PubMed 23345197.